The following is an entry in ClinVar:

ClinVar aggregate classification (germline): Uncertain significance. Review status: criteria provided, multiple submitters, no conflicts (2 of 4 stars). 2 submissions from 2 submitters: Uncertain significance (2). Last evaluated 2024-12-05.

Conditions:
Primary ciliary dyskinesia. Also called: Ciliary dyskinesia. Identifiers: Orphanet 244, MedGen C0008780, MONDO:0016575, HP:0012265.

Allele frequency attached by ClinVar (database versions not stated): gnomAD exomes below 0.00001 and 0.00001; TOPMed 0.00001.
gnomAD v4.1: 1 of 1,211,211 alleles (0.000083%); highest among the groups gnomAD compares: Non-Finnish European, 0.00011%; no homozygotes.

Submissions (2):

Labcorp Genetics (formerly Invitae), Labcorp
Classification: Uncertain significance for Primary ciliary dyskinesia. Last evaluated: 2024-12-05. Review status: criteria provided, single submitter. Criteria: Invitae Variant Classification Sherloc (09022015). Collection method: clinical testing. Allele origin: germline.
Comment: This sequence change replaces alanine, which is neutral and non-polar, with valine, which is neutral and non-polar, at codon 249 of the RPGR protein (p.Ala249Val). This variant is present in population databases (no rsID available, gnomAD 0.001%). This variant has not been reported in the literature in individuals affected with RPGR-related conditions. ClinVar contains an entry for this variant (Variation ID: 835349). Invitae Evidence Modeling of protein sequence and biophysical properties (such as structural, functional, and spatial information, amino acid conservation, physicochemical variation, residue mobility, and thermodynamic stability) has been performed for this missense variant. However, the output from this modeling did not meet the statistical confidence thresholds required to predict the impact of this variant on RPGR protein function. In summary, the available evidence is currently insufficient to determine the role of this variant in disease. Therefore, it has been classified as a Variant of Uncertain Significance.

Ambry Genetics
Classification: Uncertain significance for Primary ciliary dyskinesia. Last evaluated: 2023-02-16. Review status: criteria provided, single submitter. Criteria: Ambry Variant Classification Scheme 2023. Collection method: clinical testing. Allele origin: germline.

NM_001034853.2(RPGR):c.746C>T (p.Ala249Val)

Gene: RPGR (retinitis pigmentosa GTPase regulator; minus strand). Cytogenetic location: Xp11.4.
Variant type: single nucleotide variant.
Coding change: c.746C>T on transcript NM_001034853.2 (MANE Select); coding-DNA position 746, C replaced by T.
Protein change: p.Ala249Val; replaces alanine 249 with valine.
Molecular consequence: missense variant. On other transcripts: non-coding transcript variant (6).
Genome position (GRCh38, 1-based): chrX:38,310,647, G>A on the plus strand (C>T on the coding strand, the complement: RPGR is on the minus strand). VCF-style: chrX-38310647-G-A. GRCh37 (hg19) VCF-style: chrX-38169900-G-A.
Other names: c.746C>T, p.Ala249Val (NM_000328.3, NM_001367246.1, NM_001367247.1 and 1 more transcripts); c.743C>T, p.Ala248Val (NM_001367245.1, NM_001367249.1, NM_001367250.1); c.776C>T, p.Ala259Val (NM_001367248.1); short protein forms A249V, A248V, A259V.
Identifiers: ClinVar variation 835349 (VCV000835349.12), dbSNP rs1251721610, ClinGen allele CA412742584.